The following is an entry in ClinVar:

ClinVar aggregate classification (germline): Uncertain significance (1 of 4 stars; one submission).

Conditions:
Von Hippel-Lindau syndrome (VHLS). Also called: von Hippel–Lindau syndrome; VHL syndrome; Von Hippel-Lindau. Identifiers: Orphanet 892, MedGen C0019562, MONDO:0008667, OMIM 193300. Disease mechanism: loss of function.
Chuvash polycythemia. Also called: POLYCYTHEMIA, VHL-DEPENDENT. Identifiers: Orphanet 238557, MedGen C1837915, MONDO:0009892, OMIM 263400.

Submission:

Labcorp Genetics (formerly Invitae), Labcorp
Classification: Uncertain significance for Von Hippel-Lindau syndrome; Chuvash polycythemia. Last evaluated: 2023-03-16. Review status: criteria provided, single submitter. Criteria: Invitae Variant Classification Sherloc (09022015). Collection method: clinical testing. Allele origin: germline.
Comment: In summary, the available evidence is currently insufficient to determine the role of this variant in disease. Therefore, it has been classified as a Variant of Uncertain Significance. Experimental studies and prediction algorithms are not available or were not evaluated, and the functional significance of this variant is currently unknown. This variant has not been reported in the literature in individuals affected with VHL-related conditions. This variant is not present in population databases (gnomAD no frequency). This variant, c.75_119del, results in the deletion of 15 amino acid(s) of the VHL protein (p.Asp28_Glu42del), but otherwise preserves the integrity of the reading frame.

NM_000551.4(VHL):c.75_119del (p.Asp28_Glu42del)

Gene: VHL (von Hippel-Lindau tumor suppressor; plus strand). Cytogenetic location: 3p25.3.
Variant type: Deletion.
Coding change: c.75_119del on transcript NM_000551.4 (MANE Select); coding-DNA positions 75 to 119, 45 bases deleted.
Protein change: p.Asp28_Glu42del.
Molecular consequence: inframe deletion. On other transcripts: non-coding transcript variant (1).
Genome position (GRCh38, 1-based): chr3:10,141,922-10,141,966, 45 bases deleted; deleting any 45 consecutive bases within chr3:10,141,916-10,141,966 gives the same sequence; the c. name uses the placement nearest the transcript's 3' end. GRCh37 (hg19): chr3:10,183,606-10,183,650.
Other names: c.75_119del, p.Asp28_Glu42del (NM_001354723.2, NM_198156.3).
Identifiers: ClinVar variation 2945349 (VCV002945349.3), dbSNP rs2470157272, ClinGen allele CA2740090896.
Genomic context (GRCh38, chr3:10,141,915, plus strand): 5'-GGAGGGCGGAGAACTGGGACGAGGCCGAGGTAGGCGCGGAGGAGGCAGGCGTCGAAGAGT[ACGGCCCTGAAGAAGACGGCGGGGAGGAGTCGGGCGCCGAGGAGTC>A]CGGCCCGGAAGAGTCCGGCCCGGAGGAACTGGGCGCCGAGGAGGAGATGGAGGCCGGGCG-3'